The following is an entry in ClinVar:

ClinVar aggregate classification (germline): Uncertain significance (1 of 4 stars; one submission).

Submission:

Labcorp Genetics (formerly Invitae), Labcorp
Classification: Uncertain significance. Last evaluated: 2024-09-12. Review status: criteria provided, single submitter. Criteria: Invitae Variant Classification Sherloc (09022015). Collection method: clinical testing. Allele origin: germline.
Comment: This sequence change replaces threonine, which is neutral and polar, with isoleucine, which is neutral and non-polar, at codon 972 of the VCAN protein (p.Thr972Ile). This variant is not present in population databases (gnomAD no frequency). This variant has not been reported in the literature in individuals affected with VCAN-related conditions. ClinVar contains an entry for this variant (Variation ID: 1471041). An algorithm developed to predict the effect of missense changes on protein structure and function (PolyPhen-2) suggests that this variant is likely to be tolerated. In summary, the available evidence is currently insufficient to determine the role of this variant in disease. Therefore, it has been classified as a Variant of Uncertain Significance.

NM_004385.5(VCAN):c.2915C>T (p.Thr972Ile)

Gene: VCAN (versican; plus strand). Cytogenetic location: 5q14.3.
Variant type: single nucleotide variant.
Coding change: c.2915C>T on transcript NM_004385.5 (MANE Select); coding-DNA position 2915, C replaced by T.
Protein change: p.Thr972Ile; replaces threonine 972 with isoleucine.
Molecular consequence: missense variant. On other transcripts: intron variant (2).
Genome position (GRCh38, 1-based): chr5:83,521,221, C>T. VCF-style: chr5-83521221-C-T. GRCh37 (hg19) VCF-style: chr5-82817040-C-T.
Other names: c.2915C>T, p.Thr972Ile (NM_001164098.2); c.1042+8825C>T (NM_001164097.2, NM_001126336.3); short protein forms T972I.
Identifiers: ClinVar variation 1471041 (VCV001471041.6), dbSNP rs2112411260, ClinGen allele CA360304956.